The following is an entry in ClinVar:

NM_001244008.2(KIF1A):c.2350C>G (p.Arg784Gly)

Gene: KIF1A (kinesin family member 1A; minus strand). Cytogenetic location: 2q37.3.
Variant type: single nucleotide variant.
Coding change: c.2350C>G on transcript NM_001244008.2 (MANE Select); coding-DNA position 2350, C replaced by G.
Protein change: p.Arg784Gly; replaces arginine 784 with glycine.
Molecular consequence: missense variant.
Genome position (GRCh38, 1-based): chr2:240,760,759, G>C on the plus strand (C>G on the coding strand, the complement: KIF1A is on the minus strand). VCF-style: chr2-240760759-G-C. GRCh37 (hg19) VCF-style: chr2-241700176-G-C.
Other names: c.2350C>G, p.Arg784Gly (NM_001320705.2, NM_001330289.2, NM_001379638.1); c.2425C>G, p.Arg809Gly (NM_001330290.2, NM_001379631.1, NM_001379634.1 and 2 more transcripts); c.2323C>G, p.Arg775Gly (NM_001379632.1, NM_001379633.1, NM_001379636.1 and 10 more transcripts); c.2398C>G, p.Arg800Gly (NM_001379637.1, NM_001379648.1); short protein forms R775G, R784G, R800G, R809G.
Identifiers: ClinVar variation 1060610 (VCV001060610.10), dbSNP rs1327297188, ClinGen allele CA351324872.

ClinVar aggregate classification (germline): Uncertain significance. Review status: criteria provided, multiple submitters, no conflicts (2 of 4 stars). 2 submissions from 2 submitters: Uncertain significance (2). Last evaluated 2025-06-20.

Conditions:
Neuropathy, hereditary sensory, type 2C. Also called: Hereditary sensory and autonomic neuropathy type IIC; KIF1A-Related HSAN2 (HSAN2C). Identifiers: Orphanet 970, MedGen C3280168, MONDO:0013634, OMIM 614213.
Intellectual disability, autosomal dominant 9 (NESCAVS). Also called: KIF1A-Related Neurodevelopmental Disorder; NESCAV SYNDROME. Identifiers: Orphanet 662367, MedGen C5393830, MONDO:0013656, OMIM 614255.
Hereditary spastic paraplegia 30. Identifiers: Orphanet 101010, MedGen C5235139, MONDO:0012476.

Allele frequency attached by ClinVar (database versions not stated): gnomAD exomes below 0.00001.
gnomAD v4.1: 3 of 1,601,340 alleles (0.00019%); highest among the groups gnomAD compares: Non-Finnish European, 0.00026%; no homozygotes.

Submissions (2):

ARUP Laboratories, Molecular Genetics and Genomics, ARUP Laboratories
Classification: Uncertain significance. Last evaluated: 2025-06-20. Review status: criteria provided, single submitter. Criteria: ARUP Molecular Germline Variant Investigation Process 2024. Collection method: clinical testing. Allele origin: germline.
Comment: The KIF1A c.2323C>G; p.Arg775Gly variant (rs1327297188), to our knowledge, is not reported in the medical literature but is reported in ClinVar (Variation ID: 1060610). This variant is only observed on one allele in the Genome Aggregation Database (v2.1.1), indicating it is not a common polymorphism. Computational analyses are uncertain whether this variant is neutral or deleterious (REVEL: 0.346). Due to limited information, the clinical significance of this variant is uncertain at this time.

Labcorp Genetics (formerly Invitae), Labcorp
Classification: Uncertain significance for Hereditary spastic paraplegia 30; Neuropathy, hereditary sensory, type 2C; Intellectual disability, autosomal dominant 9. Last evaluated: 2023-02-01. Review status: criteria provided, single submitter. Criteria: Invitae Variant Classification Sherloc (09022015). Collection method: clinical testing. Allele origin: germline.
Comment: In summary, the available evidence is currently insufficient to determine the role of this variant in disease. Therefore, it has been classified as a Variant of Uncertain Significance. Algorithms developed to predict the effect of missense changes on protein structure and function (SIFT, PolyPhen-2, Align-GVGD) all suggest that this variant is likely to be tolerated. ClinVar contains an entry for this variant (Variation ID: 1060610). This variant has not been reported in the literature in individuals affected with KIF1A-related conditions. This variant is present in population databases (no rsID available, gnomAD 0.0009%). This sequence change replaces arginine, which is basic and polar, with glycine, which is neutral and non-polar, at codon 775 of the KIF1A protein (p.Arg775Gly).